The following is an entry in ClinVar:

Conditions:
Breast-ovarian cancer, familial, susceptibility to, 1 (BROVCA1). Also called: BRCA1 Hereditary Breast and Ovarian Cancer; OVARIAN CANCER, SUSCEPTIBILITY TO. Identifiers: Orphanet 145, MedGen C2676676, MONDO:0011450, OMIM 604370. Disease mechanism: loss of function.

Submission:

Brotman Baty Institute, University of Washington
No classification provided (evidence only). Condition: Breast-ovarian cancer, familial 1. Review status: no classification provided. Collection method: in vitro. Allele origin: not applicable. Functional consequence: functionally_normal.
ClinVar note: "not provided" was previously submitted as the classification for the variant. However, the classification appeared to be based only on an observation of functional data so it was converted to no classification on 2025-07-30.

NM_007294.4(BRCA1):c.135-6T>A

Gene: BRCA1 (BRCA1 DNA repair associated; minus strand). Cytogenetic location: 17q21.31.
Variant type: single nucleotide variant.
Coding change: c.135-6T>A on transcript NM_007294.4 (MANE Select); 6 bases into the intron before coding-DNA position 135, T replaced by A.
Molecular consequence: intron variant.
Genome position (GRCh38, 1-based): chr17:43,106,539, A>T on the plus strand (T>A on the coding strand, the complement: BRCA1 is on the minus strand). VCF-style: chr17-43106539-A-T. GRCh37 (hg19) VCF-style: chr17-41258556-A-T.
Other names: c.-7-6T>A (NM_001408458.1, NM_001407931.1, NM_001407747.1 and 99 more transcripts); c.-218-11679T>A (NM_001407967.1, NM_001407966.1); c.-169-1583T>A (NM_001407959.1, NM_001407962.1, NM_001408512.1 and 4 more transcripts); c.-54-6T>A (NM_001407885.1, NM_001407886.1, NM_001407898.1 and 58 more transcripts); c.135-6T>A (NM_001407686.1, NM_001408397.1, NM_001407632.1 and 167 more transcripts); c.81-1583T>A (NM_001408451.1); c.135-1583T>A (NM_001408475.1, NM_001407875.1, NM_001407659.1 and 21 more transcripts).
Identifiers: ClinVar variation 868205 (VCV000868205.3), dbSNP rs397508859, ClinGen allele CA916080918.
Genomic context (GRCh38, chr17:43,106,539, plus strand): 5'-TAAAGGACACTGTGAAGGCCCTTTCTTCTGGTTGAGAAGTTTCAGCATGCAAAATCTATA[A>T]ATTATAAAGAAAGAAAGAACAATTTAATTTACTTCCTTTTGTAGAAAGAATACTCAAAAG-3'